The following is an entry in ClinVar:

NM_000059.4(BRCA2):c.10105A>T (p.Thr3369Ser)

Gene: BRCA2 (BRCA2 DNA repair associated; plus strand). Cytogenetic location: 13q13.1.
Variant type: single nucleotide variant.
Coding change: c.10105A>T on transcript NM_000059.4 (MANE Select); coding-DNA position 10105, A replaced by T.
Protein change: p.Thr3369Ser; replaces threonine 3369 with serine.
Molecular consequence: missense variant. On other transcripts: non-coding transcript variant (1).
Genome position (GRCh38, 1-based): chr13:32,398,618, A>T. VCF-style: chr13-32398618-A-T. GRCh37 (hg19) VCF-style: chr13-32972755-A-T.
Other names: c.10009A>T, p.Thr3337Ser (NM_001406719.1); c.10054A>T, p.Thr3352Ser (NM_001406720.1); c.5173A>T, p.Thr1725Ser (NM_001406721.1); c.3688A>T, p.Thr1230Ser (NM_001406722.1); c.10105A>T, p.Thr3369Ser (NM_001432077.1); short protein forms T1230S, T3337S, T3352S, T1725S, T3369S.
Identifiers: ClinVar variation 3636572 (VCV003636572.2).
Genomic context (GRCh38, chr13:32,398,618, plus strand): 5'-ACCCAAGCTCTTTTGTCTGGTTCAACAGGAGAAAAACAATTTATATCTGTCAGTGAATCC[A>T]CTAGGACTGCTCCCACCAGTTCAGAAGATTATCTCAGACTGAAACGACGTTGTACTACAT-3'
Protein context (NP_000050.3, residues 3359-3379): EKQFISVSES[Thr3369Ser]RTAPTSSEDY

ClinVar aggregate classification (germline): Uncertain significance (1 of 4 stars; one submission).

Conditions:
Hereditary breast ovarian cancer syndrome. Also called: Hereditary breast and ovarian cancer syndrome; Hereditary breast and ovarian cancer syndrome (HBOC); BRCA1- and BRCA2-Associated Hereditary Breast and Ovarian Cancer; Hereditary breast and ovarian cancer; Breast and ovarian cancer; Hereditary breast and/or ovarian cancer syndrome. Identifiers: Orphanet 145, MedGen C0677776, MeSH D061325, MONDO:0003582. Disease mechanism: loss of function.

Submission:

Labcorp Genetics (formerly Invitae), Labcorp
Classification: Uncertain significance for Hereditary breast ovarian cancer syndrome. Last evaluated: 2024-02-26. Review status: criteria provided, single submitter. Criteria: Invitae Variant Classification Sherloc (09022015). Collection method: clinical testing. Allele origin: germline.
Comment: This sequence change replaces threonine, which is neutral and polar, with serine, which is neutral and polar, at codon 3369 of the BRCA2 protein (p.Thr3369Ser). This variant is not present in population databases (gnomAD no frequency). This variant has not been reported in the literature in individuals affected with BRCA2-related conditions. Advanced modeling of protein sequence and biophysical properties (such as structural, functional, and spatial information, amino acid conservation, physicochemical variation, residue mobility, and thermodynamic stability) performed at Invitae indicates that this missense variant is not expected to disrupt BRCA2 protein function with a negative predictive value of 95%. In summary, the available evidence is currently insufficient to determine the role of this variant in disease. Therefore, it has been classified as a Variant of Uncertain Significance.